The following is an entry in ClinVar:

NM_015141.4(GPD1L):c.238A>G (p.Asn80Asp)

Gene: GPD1L (glycerol-3-phosphate dehydrogenase 1 like; plus strand). Cytogenetic location: 3p22.3.
Variant type: single nucleotide variant.
Coding change: c.238A>G on transcript NM_015141.4 (MANE Select); coding-DNA position 238, A replaced by G.
Protein change: p.Asn80Asp; replaces asparagine 80 with aspartic acid.
Molecular consequence: missense variant.
Genome position (GRCh38, 1-based): chr3:32,138,599, A>G. VCF-style: chr3-32138599-A-G. GRCh37 (hg19) VCF-style: chr3-32180091-A-G.
Other names: short protein forms N80D.
Identifiers: ClinVar variation 463283 (VCV000463283.7), dbSNP rs1553659648, ClinGen allele CA351974140.

ClinVar aggregate classification (germline): Uncertain significance (1 of 4 stars; one submission).

Conditions:
Brugada syndrome. Also called: Sudden unexpected nocturnal death syndrome; Sudden Unexplained Death Syndrome; Sudden Unexplained Nocturnal Death Syndrome (SUNDS); Sudden unexplained nocturnal death syndrome. Identifiers: Orphanet 130, MedGen C1142166, MONDO:0015263.

Allele frequency attached by ClinVar (database versions not stated): gnomAD exomes below 0.00001.
gnomAD v4.1: 1 of 1,614,100 alleles (0.000062%); highest among the groups gnomAD compares: Non-Finnish European, 0.000085%; no homozygotes.

Submission:

Labcorp Genetics (formerly Invitae), Labcorp
Classification: Uncertain significance for Brugada syndrome. Last evaluated: 2025-07-14. Review status: criteria provided, single submitter. Criteria: Invitae Variant Classification Sherloc (09022015). Collection method: clinical testing. Allele origin: germline.
Comment: This sequence change replaces asparagine, which is neutral and polar, with aspartic acid, which is acidic and polar, at codon 80 of the GPD1L protein (p.Asn80Asp). This variant is not present in population databases (gnomAD no frequency). This variant has not been reported in the literature in individuals affected with GPD1L-related conditions. ClinVar contains an entry for this variant (Variation ID: 463283). An algorithm developed to predict the effect of missense changes on protein structure and function outputs the following: PolyPhen-2: "Benign". The aspartic acid amino acid residue is found in multiple mammalian species, which suggests that this missense change does not adversely affect protein function. In summary, the available evidence is currently insufficient to determine the role of this variant in disease. Therefore, it has been classified as a Variant of Uncertain Significance.